The following is an entry in ClinVar:

NM_001242957.3(MAK):c.920T>G (p.Leu307Arg)

Gene: MAK (male germ cell associated kinase; minus strand). Cytogenetic location: 6p24.2.
Variant type: single nucleotide variant.
Coding change: c.920T>G on transcript NM_001242957.3 (MANE Select); coding-DNA position 920, T replaced by G.
Protein change: p.Leu307Arg; replaces leucine 307 with arginine.
Molecular consequence: missense variant. On other transcripts: non-coding transcript variant (2).
Genome position (GRCh38, 1-based): chr6:10,796,221, A>C on the plus strand (T>G on the coding strand, the complement: MAK is on the minus strand). VCF-style: chr6-10796221-A-C. GRCh37 (hg19) VCF-style: chr6-10796454-A-C.
Other names: c.920T>G, p.Leu307Arg (NM_001242385.2, NM_005906.6); c.818T>G, p.Leu273Arg (NM_001377262.1); short protein forms L273R, L307R.
Identifiers: ClinVar variation 1487359 (VCV001487359.3), dbSNP rs775490393, ClinGen allele CA3633597.

ClinVar aggregate classification (germline): Uncertain significance (1 of 4 stars; one submission).

Allele frequency attached by ClinVar (database versions not stated): ExAC 0.00001; gnomAD exomes 0.00001.
gnomAD v4.1: 6 of 1,614,214 alleles (0.00037%); highest among the groups gnomAD compares: Non-Finnish European, 0.00051%; no homozygotes.

Submission:

Labcorp Genetics (formerly Invitae), Labcorp
Classification: Uncertain significance. Last evaluated: 2022-08-22. Review status: criteria provided, single submitter. Criteria: Invitae Variant Classification Sherloc (09022015). Collection method: clinical testing. Allele origin: germline.
Comment: This sequence change replaces leucine, which is neutral and non-polar, with arginine, which is basic and polar, at codon 307 of the MAK protein (p.Leu307Arg). This variant is present in population databases (rs775490393, gnomAD 0.002%). This variant has not been reported in the literature in individuals affected with MAK-related conditions. ClinVar contains an entry for this variant (Variation ID: 1487359). Advanced modeling of protein sequence and biophysical properties (such as structural, functional, and spatial information, amino acid conservation, physicochemical variation, residue mobility, and thermodynamic stability) performed at Invitae indicates that this missense variant is not expected to disrupt MAK protein function. In summary, the available evidence is currently insufficient to determine the role of this variant in disease. Therefore, it has been classified as a Variant of Uncertain Significance.